The following is an entry in ClinVar:

ClinVar aggregate classification (germline): Uncertain significance (1 of 4 stars; one submission).

Submission:

Labcorp Genetics (formerly Invitae), Labcorp
Classification: Uncertain significance. Last evaluated: 2022-03-18. Review status: criteria provided, single submitter. Criteria: Invitae Variant Classification Sherloc (09022015). Collection method: clinical testing. Allele origin: germline.
Comment: Algorithms developed to predict the effect of missense changes on protein structure and function (SIFT, PolyPhen-2, Align-GVGD) all suggest that this variant is likely to be disruptive. In summary, the available evidence is currently insufficient to determine the role of this variant in disease. Therefore, it has been classified as a Variant of Uncertain Significance. Algorithms developed to predict the effect of sequence changes on RNA splicing suggest that this variant may create or strengthen a splice site. This variant has not been reported in the literature in individuals affected with CASQ1-related conditions. This variant is not present in population databases (gnomAD no frequency). This sequence change replaces glycine, which is neutral and non-polar, with serine, which is neutral and polar, at codon 296 of the CASQ1 protein (p.Gly296Ser).

NM_001231.5(CASQ1):c.886G>A (p.Gly296Ser)

Gene: CASQ1 (calsequestrin 1; plus strand). Cytogenetic location: 1q23.2.
Variant type: single nucleotide variant.
Coding change: c.886G>A on transcript NM_001231.5 (MANE Select); coding-DNA position 886, G replaced by A.
Protein change: p.Gly296Ser; replaces glycine 296 with serine.
Molecular consequence: missense variant.
Genome position (GRCh38, 1-based): chr1:160,198,955, G>A. VCF-style: chr1-160198955-G-A. GRCh37 (hg19) VCF-style: chr1-160168745-G-A.
Other names: short protein forms G296S.
Identifiers: ClinVar variation 2113460 (VCV002113460.4), dbSNP rs2525063434, ClinGen allele CA343261087.